The following is an entry in ClinVar:

ClinVar aggregate classification (germline): Uncertain significance. Review status: criteria provided, multiple submitters, no conflicts (2 of 4 stars). 2 submissions from 2 submitters: Uncertain significance (2). Last evaluated 2025-10-06.

Conditions:
Liang-Wang syndrome. Identifiers: Orphanet 664438, MedGen C5231479, MONDO:0032886, OMIM 618729.
Generalized epilepsy-paroxysmal dyskinesia syndrome (PNKD3). Also called: Generalized epilepsy and paroxysmal dyskinesia; Paroxysmal nonkinesigenic dyskinesia, 3, with or without generalized epilepsy. Identifiers: Orphanet 79137, MedGen C5574945, MONDO:0012276, OMIM 609446.

Submissions (2):

Labcorp Genetics (formerly Invitae), Labcorp
Classification: Uncertain significance for Generalized epilepsy-paroxysmal dyskinesia syndrome. Last evaluated: 2025-10-06. Review status: criteria provided, single submitter. Criteria: Invitae Variant Classification Sherloc (09022015). Collection method: clinical testing. Allele origin: germline.
Comment: This variant, c.52_60dup, results in the insertion of 3 amino acid(s) of the KCNMA1 protein (p.Gly18_Gly20dup), but otherwise preserves the integrity of the reading frame. This variant is not present in population databases (gnomAD no frequency). This variant has not been reported in the literature in individuals affected with KCNMA1-related conditions. ClinVar contains an entry for this variant (Variation ID: 1906419). Experimental studies and prediction algorithms are not available or were not evaluated, and the functional significance of this variant is currently unknown. In summary, the available evidence is currently insufficient to determine the role of this variant in disease. Therefore, it has been classified as a Variant of Uncertain Significance.

Genomic Medicine Center of Excellence, King Faisal Specialist Hospital and Research Centre
Classification: Uncertain significance for Liang-Wang syndrome. Last evaluated: 2024-04-04. Review status: criteria provided, single submitter. Criteria: ACMG Guidelines, 2015. Collection method: clinical testing. Allele origin: germline.

NM_001161352.2(KCNMA1):c.52_60dup (p.Gly20_Ser21insGlyGlyGly)

Gene: KCNMA1 (potassium calcium-activated channel subfamily M alpha 1; minus strand). Cytogenetic location: 10q22.3.
Variant type: Duplication.
Coding change: c.52_60dup on transcript NM_001161352.2 (MANE Select); coding-DNA positions 52 to 60, 9 bases duplicated (GGCGGAGGC; older notation c.52_60dupGGCGGAGGC).
Protein change: p.Gly20_Ser21insGlyGlyGly.
Molecular consequence: inframe insertion. On other transcripts: inframe indel (1).
Genome position (GRCh38, 1-based): chr10:77,637,583-77,637,591, GCCTCCGCC duplicated on the plus strand (GGCGGAGGC on the coding strand, the reverse complement: KCNMA1 is on the minus strand); duplicating any 9 consecutive bases within chr10:77,637,583-77,637,594 gives the same sequence; the c. name uses the placement nearest the transcript's 3' end. VCF-style (leftmost placement, unchanged base first): chr10-77637582-T-TGCCTCCGCC. GRCh37 (hg19) VCF-style: chr10-79397340-T-TGCCTCCGCC.
Other names: c.52_60dup, p.Gly20_Ser21insGlyGlyGly (NM_001014797.3, NM_001161353.2, NM_001271518.2 and 12 more transcripts); c.49_57dup, p.Gly20_Ser21insGlyGlyGly (NM_001410940.1).
Identifiers: ClinVar variation 1906419 (VCV001906419.6), dbSNP rs1555528587, ClinGen allele CA668629586.